The following is an entry in ClinVar:

ClinVar aggregate classification (germline): Uncertain significance. Review status: criteria provided, multiple submitters, no conflicts (2 of 4 stars). 2 submissions from 2 submitters: Uncertain significance (2). Last evaluated 2023-11-13.

Allele frequency attached by ClinVar (database versions not stated): gnomAD exomes below 0.00001 and 0.00001; ExAC 0.00002; TOPMed 0.00003; gnomAD 0.00006.
gnomAD v4.1: 12 of 1,614,050 alleles (0.00074%); highest among the groups gnomAD compares: African/African-American, 0.016%; no homozygotes.

Submissions (2):

Labcorp Genetics (formerly Invitae), Labcorp
Classification: Uncertain significance. Last evaluated: 2023-11-13. Review status: criteria provided, single submitter. Criteria: Invitae Variant Classification Sherloc (09022015). Collection method: clinical testing. Allele origin: germline.
Comment: This sequence change replaces alanine, which is neutral and non-polar, with aspartic acid, which is acidic and polar, at codon 496 of the CNGB1 protein (p.Ala496Asp). This variant is present in population databases (rs759552359, gnomAD 0.03%). This variant has not been reported in the literature in individuals affected with CNGB1-related conditions. ClinVar contains an entry for this variant (Variation ID: 957570). Advanced modeling of protein sequence and biophysical properties (such as structural, functional, and spatial information, amino acid conservation, physicochemical variation, residue mobility, and thermodynamic stability) performed at Invitae indicates that this missense variant is not expected to disrupt CNGB1 protein function with a negative predictive value of 95%. In summary, the available evidence is currently insufficient to determine the role of this variant in disease. Therefore, it has been classified as a Variant of Uncertain Significance.

Blueprint Genetics
Classification: Uncertain significance. Last evaluated: 2022-12-01. Review status: criteria provided, single submitter. Criteria: ACMG Guidelines, 2015. Collection method: clinical testing. Allele origin: germline.

NM_001297.5(CNGB1):c.1487C>A (p.Ala496Asp)

Gene: CNGB1 (cyclic nucleotide gated channel subunit beta 1; minus strand). Cytogenetic location: 16q21.
Variant type: single nucleotide variant.
Coding change: c.1487C>A on transcript NM_001297.5 (MANE Select); coding-DNA position 1487, C replaced by A.
Protein change: p.Ala496Asp; replaces alanine 496 with aspartic acid.
Molecular consequence: missense variant.
Genome position (GRCh38, 1-based): chr16:57,931,764, G>T on the plus strand (C>A on the coding strand, the complement: CNGB1 is on the minus strand). VCF-style: chr16-57931764-G-T. GRCh37 (hg19) VCF-style: chr16-57965668-G-T.
Other names: c.1469C>A, p.Ala490Asp (NM_001286130.2); short protein forms A490D, A496D.
Identifiers: ClinVar variation 957570 (VCV000957570.10), dbSNP rs759552359, ClinGen allele CA8083417.